The following is an entry in ClinVar:

NM_006015.6(ARID1A):c.3880A>G (p.Ile1294Val)

Gene: ARID1A (AT-rich interaction domain 1A; plus strand). Cytogenetic location: 1p36.11.
Variant type: single nucleotide variant.
Coding change: c.3880A>G on transcript NM_006015.6 (MANE Select); coding-DNA position 3880, A replaced by G.
Protein change: p.Ile1294Val; replaces isoleucine 1294 with valine.
Molecular consequence: missense variant.
Genome position (GRCh38, 1-based): chr1:26,773,593, A>G. VCF-style: chr1-26773593-A-G. GRCh37 (hg19) VCF-style: chr1-27100084-A-G.
Other names: c.3880A>G, p.Ile1294Val (NM_139135.4); short protein forms I1294V.
Identifiers: ClinVar variation 2638535 (VCV002638535.26), dbSNP rs370983765, ClinGen allele CA707340.

ClinVar aggregate classification (germline): Conflicting classifications of pathogenicity. Review status: criteria provided, conflicting classifications (1 of 4 stars). 2 submissions from 2 submitters: Uncertain significance (1); Benign (1). Last evaluated 2025-05-27.

Allele frequency attached by ClinVar (database versions not stated): gnomAD exomes 0.00001; TOPMed 0.00001; ExAC 0.00002; gnomAD 0.00002; ESP Exome Variant Server 0.00008.
gnomAD v4.1: 20 of 1,614,080 alleles (0.0012%); highest among the groups gnomAD compares: African/African-American, 0.0067%; no homozygotes.

Submissions (2):

Labcorp Genetics (formerly Invitae), Labcorp
Classification: Benign. Last evaluated: 2025-05-27. Review status: criteria provided, single submitter. Criteria: Invitae Variant Classification Sherloc (09022015). Collection method: clinical testing. Allele origin: germline.

CeGaT Center for Human Genetics Tuebingen
Classification: Uncertain significance. Last evaluated: 2023-04-01. Review status: criteria provided, single submitter. Criteria: CeGaT Center For Human Genetics Tuebingen Variant Classification Criteria Version 2. Collection method: clinical testing. Allele origin: germline. Affected: yes. Observed: 1 variant allele.
Comment: ARID1A: PP2, BP4